The following is an entry in ClinVar:

NM_201596.3(CACNB2):c.1559C>T (p.Pro520Leu)

Gene: CACNB2 (calcium voltage-gated channel auxiliary subunit beta 2; plus strand). Cytogenetic location: 10p12.31.
Variant type: single nucleotide variant.
Coding change: c.1559C>T on transcript NM_201596.3 (MANE Select); coding-DNA position 1559, C replaced by T.
Protein change: p.Pro520Leu; replaces proline 520 with leucine.
Molecular consequence: missense variant.
Genome position (GRCh38, 1-based): chr10:18,539,300, C>T. VCF-style: chr10-18539300-C-T. GRCh37 (hg19) VCF-style: chr10-18828229-C-T.
Other names: c.1394C>T, p.Pro465Leu (NM_000724.4); c.1361C>T, p.Pro454Leu (NM_001167945.2); c.1280C>T, p.Pro427Leu (NM_001330060.2); c.1301C>T, p.Pro434Leu (NM_001410882.1); c.1415C>T, p.Pro472Leu (NM_201570.3); c.1475C>T, p.Pro492Leu (NM_201571.4); c.1403C>T, p.Pro468Leu (NM_201572.4); c.1397C>T, p.Pro466Leu (NM_201590.3); and 2 more; short protein forms P472L, P496L, P465L, P466L, P520L, P454L, P492L, P427L.
Identifiers: ClinVar variation 1771658 (VCV001771658.9), dbSNP rs779925106, ClinGen allele CA5430097.

ClinVar aggregate classification (germline): Conflicting classifications of pathogenicity. Review status: criteria provided, conflicting classifications (1 of 4 stars). 3 submissions from 3 submitters: Uncertain significance (2); Likely benign (1). Last evaluated 2026-03-30.

Conditions:
Cardiovascular phenotype. Identifiers: MedGen CN230736.
Brugada syndrome 4 (BRGDA4). Identifiers: Orphanet 130, MedGen C2678477, MONDO:0012743, OMIM 611876.
CACNB2-related disorder. Also called: CACNB2-related condition.

Allele frequency attached by ClinVar (database versions not stated): gnomAD 0.00001; TOPMed 0.00002; gnomAD exomes 0.00003; ExAC 0.00006.
gnomAD v4.1: 22 of 1,613,790 alleles (0.0014%); highest among the groups gnomAD compares: Admixed American, 0.037%; no homozygotes.

Submissions (3):

PreventionGenetics, part of Exact Sciences
Classification: Uncertain significance for CACNB2-related condition. Last evaluated: 2026-03-30. Review status: criteria provided, single submitter. Criteria: ACMG Guidelines, 2015. Collection method: clinical testing. Allele origin: germline.
Comment: The CACNB2 c.1397C>T variant is predicted to result in the amino acid substitution p.Pro466Leu. To our knowledge, this variant has not been reported in the literature. This variant is reported in 0.049% of alleles in individuals of Latino descent in gnomAD. Although we suspect that this variant may be benign, at this time, the clinical significance of this variant is uncertain due to the absence of conclusive functional and genetic evidence.

Ambry Genetics
Classification: Likely benign for Cardiovascular phenotype. Last evaluated: 2024-10-24. Review status: criteria provided, single submitter. Criteria: Ambry Variant Classification Scheme 2023. Collection method: clinical testing. Allele origin: germline.

Labcorp Genetics (formerly Invitae), Labcorp
Classification: Uncertain significance for Brugada syndrome 4. Last evaluated: 2022-09-04. Review status: criteria provided, single submitter. Criteria: Invitae Variant Classification Sherloc (09022015). Collection method: clinical testing. Allele origin: germline.
Comment: In summary, the available evidence is currently insufficient to determine the role of this variant in disease. Therefore, it has been classified as a Variant of Uncertain Significance. Algorithms developed to predict the effect of missense changes on protein structure and function (SIFT, PolyPhen-2, Align-GVGD) all suggest that this variant is likely to be tolerated. This variant has not been reported in the literature in individuals affected with CACNB2-related conditions. This variant is present in population databases (rs779925106, gnomAD 0.05%), and has an allele count higher than expected for a pathogenic variant. This sequence change replaces proline, which is neutral and non-polar, with leucine, which is neutral and non-polar, at codon 466 of the CACNB2 protein (p.Pro466Leu).